The following is an entry in ClinVar:

ClinVar aggregate classification (germline): Benign (3 of 4 stars; one submission).

Conditions:
Breast-ovarian cancer, familial, susceptibility to, 1 (BROVCA1). Also called: OVARIAN CANCER, SUSCEPTIBILITY TO; BRCA1 Hereditary Breast and Ovarian Cancer. Identifiers: Orphanet 145, MedGen C2676676, MONDO:0011450, OMIM 604370. Disease mechanism: loss of function.

Allele frequency attached by ClinVar (database versions not stated): TOPMed 0.49134; gnomAD 0.48770 and 0.49169; 1000 Genomes Project 30x 0.54122; 1000 Genomes Project 0.53774.

Submission:

Evidence-based Network for the Interpretation of Germline Mutant Alleles (ENIGMA)
Classification: Benign for Breast-ovarian cancer, familial 1. Last evaluated: 2015-01-12. Review status: reviewed by expert panel. Criteria: ENIGMA BRCA1/2 Classification Criteria (2015). Collection method: curation. Allele origin: germline.
Comment: Class 1 not pathogenic based on frequency >1% in an outbred sampleset. Frequency 0.33 (Asian), 0.87 (African), 0.37 (European), derived from 1000 genomes (2012-04-30).

NM_007294.3(BRCA1):c.*3785T>A

Gene: BRCA1 (BRCA1 DNA repair associated; minus strand). Cytogenetic location: 17q21.31.
Variant type: single nucleotide variant.
Coding change: c.*3785T>A on transcript NM_007294.3; 3785 bases downstream of the stop codon, T replaced by A.
Genome position (GRCh38, 1-based): chr17:43,041,893, A>T on the plus strand (T>A on the coding strand, the complement: BRCA1 is on the minus strand). VCF-style: chr17-43041893-A-T. GRCh37 (hg19) VCF-style: chr17-41193910-A-T.
Other names: 9496 T>A.
Identifiers: ClinVar variation 209226 (VCV000209226.3), dbSNP rs8071278, ClinGen allele CA276202.